The following is an entry in ClinVar:

ClinVar aggregate classification (germline): Likely pathogenic (1 of 4 stars; one submission).

Conditions:
Metachromatic leukodystrophy (MLD). Also called: Cerebral sclerosis diffuse metachromatic form; Arylsulfatase A Deficiency; ARSA DEFICIENCY; CEREBROSIDE SULFATASE DEFICIENCY; METACHROMATIC LEUKOENCEPHALOPATHY; SULFATIDE LIPIDOSIS. Identifiers: Orphanet 512, MedGen C0023522, MONDO:0018868, OMIM 250100.

Submission:

Labcorp Genetics (formerly Invitae), Labcorp
Classification: Likely pathogenic for Metachromatic leukodystrophy. Last evaluated: 2023-05-30. Review status: criteria provided, single submitter. Criteria: Invitae Variant Classification Sherloc (09022015). Collection method: clinical testing. Allele origin: germline.
Comment: This sequence change replaces glutamic acid, which is acidic and polar, with alanine, which is neutral and non-polar, at codon 255 of the ARSA protein (p.Glu255Ala). This variant is not present in population databases (gnomAD no frequency). This variant has not been reported in the literature in individuals affected with ARSA-related conditions. Advanced modeling of protein sequence and biophysical properties (such as structural, functional, and spatial information, amino acid conservation, physicochemical variation, residue mobility, and thermodynamic stability) performed at Invitae indicates that this missense variant is expected to disrupt ARSA protein function. In summary, the currently available evidence indicates that the variant is pathogenic, but additional data are needed to prove that conclusively. Therefore, this variant has been classified as Likely Pathogenic. This variant disrupts the p.Glu255 amino acid residue in ARSA. Other variant(s) that disrupt this residue have been determined to be pathogenic (PMID: 11941485, 18786133). This suggests that this residue is clinically significant, and that variants that disrupt this residue are likely to be disease-causing.

Literature cited by the submitters: PubMed 11941485; PubMed 18786133.

NM_000487.6(ARSA):c.764A>C (p.Glu255Ala)

Gene: ARSA (arylsulfatase A; minus strand). Cytogenetic location: 22q13.33.
Variant type: single nucleotide variant.
Coding change: c.764A>C on transcript NM_000487.6 (MANE Select); coding-DNA position 764, A replaced by C.
Protein change: p.Glu255Ala; replaces glutamic acid 255 with alanine.
Molecular consequence: missense variant.
Genome position (GRCh38, 1-based): chr22:50,626,681, T>G on the plus strand (A>C on the coding strand, the complement: ARSA is on the minus strand). VCF-style: chr22-50626681-T-G. GRCh37 (hg19) VCF-style: chr22-51065109-T-G.
Other names: c.764A>C, p.Glu255Ala (NM_001085425.3, NM_001085426.3, NM_001085427.3); c.506A>C, p.Glu169Ala (NM_001085428.3, NM_001362782.2); short protein forms E169A, E255A.
Identifiers: ClinVar variation 2749259 (VCV002749259.3), dbSNP rs2518329660, ClinGen allele CA412176286.
Genomic context (GRCh38, chr22:50,626,681, plus strand): 5'-TCTTCAAGCAGCCCCAGGTCCCCTATGGCTGTCATCAGGGTCCCCACAGCTGCATCCAGC[T>G]CCATCAGGGAGTCCCCAAATGGCCCGCGGCCTGAACGCTCTGCAAAGCTCTGCCCACTGA-3'
Protein context (NP_000478.3, residues 245-265): GRGPFGDSLM[Glu255Ala]LDAAVGTLMT